The following is an entry in ClinVar:

ClinVar aggregate classification (germline): Uncertain significance (1 of 4 stars; one submission).

Submission:

GeneDx
Classification: Uncertain significance. Last evaluated: 2025-08-04. Review status: criteria provided, single submitter. Criteria: GeneDx Variant Classification Process June 2021. Collection method: clinical testing. Allele origin: germline. Affected: yes.
Comment: Not observed at significant frequency in large population cohorts (gnomAD); In silico analysis supports a deleterious effect on splicing; Has not been previously published as pathogenic or benign to our knowledge

NM_031418.4(ANO3):c.432G>A (p.Lys144=)

Gene: ANO3 (anoctamin 3; plus strand). Cytogenetic location: 11p14.2.
Variant type: single nucleotide variant.
Coding change: c.432G>A on transcript NM_031418.4 (MANE Select); coding-DNA position 432, G replaced by A.
Protein change: p.Lys144=; no amino-acid change (lysine 144 retained).
Molecular consequence: synonymous variant.
Genome position (GRCh38, 1-based): chr11:26,463,148, G>A. VCF-style: chr11-26463148-G-A. GRCh37 (hg19) VCF-style: chr11-26484695-G-A.
Other names: c.615G>A, p.Lys205= (NM_001313726.2).
Identifiers: ClinVar variation 4755973 (VCV004755973.1).